The following is an entry in ClinVar:

NM_020207.7(ERCC6L2):c.4139T>A (p.Val1380Glu)

Gene: ERCC6L2 (ERCC excision repair 6 like 2; plus strand). Cytogenetic location: 9q22.32.
Variant type: single nucleotide variant.
Coding change: c.4139T>A on transcript NM_020207.7 (MANE Select); coding-DNA position 4139, T replaced by A.
Protein change: p.Val1380Glu; replaces valine 1380 with glutamic acid.
Molecular consequence: missense variant. On other transcripts: intron variant (2), non-coding transcript variant (1).
Genome position (GRCh38, 1-based): chr9:96,012,689, T>A. VCF-style: chr9-96012689-T-A. GRCh37 (hg19) VCF-style: chr9-98774971-T-A.
Other names: c.3674+7988T>A (NM_001375292.1, NM_001375291.1); short protein forms V1380E.
Identifiers: ClinVar variation 3676008 (VCV003676008.2).

ClinVar aggregate classification (germline): Uncertain significance (1 of 4 stars; one submission).

Submission:

Labcorp Genetics (formerly Invitae), Labcorp
Classification: Uncertain significance. Last evaluated: 2024-03-29. Review status: criteria provided, single submitter. Criteria: Invitae Variant Classification Sherloc (09022015). Collection method: clinical testing. Allele origin: germline.
Comment: This sequence change replaces valine, which is neutral and non-polar, with glutamic acid, which is acidic and polar, at codon 1391 of the ERCC6L2 protein (p.Val1391Glu). This variant is not present in population databases (gnomAD no frequency). This variant has not been reported in the literature in individuals affected with ERCC6L2-related conditions. Experimental studies and prediction algorithms are not available or were not evaluated, and the functional significance of this variant is currently unknown. In summary, the available evidence is currently insufficient to determine the role of this variant in disease. Therefore, it has been classified as a Variant of Uncertain Significance.